The following is an entry in ClinVar:

NM_177924.5(ASAH1):c.1140A>T (p.Gln380His)

Gene: ASAH1 (N-acylsphingosine amidohydrolase 1; minus strand). Cytogenetic location: 8p22.
Variant type: single nucleotide variant.
Coding change: c.1140A>T on transcript NM_177924.5 (MANE Select); coding-DNA position 1140, A replaced by T.
Protein change: p.Gln380His; replaces glutamine 380 with histidine.
Molecular consequence: missense variant.
Genome position (GRCh38, 1-based): chr8:18,057,582, T>A on the plus strand (A>T on the coding strand, the complement: ASAH1 is on the minus strand). VCF-style: chr8-18057582-T-A. GRCh37 (hg19) VCF-style: chr8-17915091-T-A.
Other names: c.1122A>T, p.Gln374His (NM_001127505.3); c.945A>T, p.Gln315His (NM_001363743.2); c.1188A>T, p.Gln396His (NM_004315.6); short protein forms Q396H, Q315H, Q380H, Q374H.
Identifiers: ClinVar variation 1500812 (VCV001500812.6), dbSNP rs759594722, ClinGen allele CA4650499.

ClinVar aggregate classification (germline): Uncertain significance (1 of 4 stars; one submission).

Allele frequency attached by ClinVar (database versions not stated): gnomAD 0.00001.
gnomAD v4.1: 4 of 1,604,910 alleles (0.00025%); highest among the groups gnomAD compares: African/African-American, 0.0013%; no homozygotes.

Submission:

Labcorp Genetics (formerly Invitae), Labcorp
Classification: Uncertain significance. Last evaluated: 2022-10-25. Review status: criteria provided, single submitter. Criteria: Invitae Variant Classification Sherloc (09022015). Collection method: clinical testing. Allele origin: germline.
Comment: In summary, the available evidence is currently insufficient to determine the role of this variant in disease. Therefore, it has been classified as a Variant of Uncertain Significance. Advanced modeling of protein sequence and biophysical properties (such as structural, functional, and spatial information, amino acid conservation, physicochemical variation, residue mobility, and thermodynamic stability) performed at Invitae indicates that this missense variant is not expected to disrupt ASAH1 protein function. ClinVar contains an entry for this variant (Variation ID: 1500812). This variant has not been reported in the literature in individuals affected with ASAH1-related conditions. This variant is present in population databases (rs759594722, gnomAD 0.003%). This sequence change replaces glutamine, which is neutral and polar, with histidine, which is basic and polar, at codon 380 of the ASAH1 protein (p.Gln380His).